The following is an entry in ClinVar:

NM_001957.4(EDNRA):c.1161C>T (p.Cys387=)

Gene: EDNRA (endothelin receptor type A; plus strand). Cytogenetic location: 4q31.23.
Variant type: single nucleotide variant.
Coding change: c.1161C>T on transcript NM_001957.4 (MANE Select); coding-DNA position 1161, C replaced by T.
Protein change: p.Cys387=; no amino-acid change (cysteine 387 retained).
Molecular consequence: synonymous variant. On other transcripts: non-coding transcript variant (3).
Genome position (GRCh38, 1-based): chr4:147,542,495, C>T. VCF-style: chr4-147542495-C-T. GRCh37 (hg19) VCF-style: chr4-148463647-C-T.
Other names: c.834C>T, p.Cys278= (NM_001166055.2).
Identifiers: ClinVar variation 2034240 (VCV002034240.4), dbSNP rs2530425942, ClinGen allele CA441752616.

ClinVar aggregate classification (germline): Uncertain significance (1 of 4 stars; one submission).

Allele frequency attached by ClinVar (database versions not stated): gnomAD exomes below 0.00001.
gnomAD v4.1: 3 of 1,614,166 alleles (0.00019%); highest among the groups gnomAD compares: Middle Eastern, 0.016%; no homozygotes.

Submission:

Labcorp Genetics (formerly Invitae), Labcorp
Classification: Uncertain significance. Last evaluated: 2022-10-05. Review status: criteria provided, single submitter. Criteria: Invitae Variant Classification Sherloc (09022015). Collection method: clinical testing. Allele origin: germline.
Comment: In summary, the available evidence is currently insufficient to determine the role of this variant in disease. Therefore, it has been classified as a Variant of Uncertain Significance. Algorithms developed to predict the effect of sequence changes on RNA splicing suggest that this variant may create or strengthen a splice site. This variant has not been reported in the literature in individuals affected with EDNRA-related conditions. This variant is not present in population databases (gnomAD no frequency). This sequence change affects codon 387 of the EDNRA mRNA. It is a 'silent' change, meaning that it does not change the encoded amino acid sequence of the EDNRA protein.